The following is an entry in ClinVar:

NM_001184.4(ATR):c.3797C>A (p.Ala1266Asp)

Gene: ATR (ATR checkpoint kinase; minus strand). Cytogenetic location: 3q23.
Variant type: single nucleotide variant.
Coding change: c.3797C>A on transcript NM_001184.4 (MANE Select); coding-DNA position 3797, C replaced by A.
Protein change: p.Ala1266Asp; replaces alanine 1266 with aspartic acid.
Molecular consequence: missense variant.
Genome position (GRCh38, 1-based): chr3:142,536,130, G>T on the plus strand (C>A on the coding strand, the complement: ATR is on the minus strand). VCF-style: chr3-142536130-G-T. GRCh37 (hg19) VCF-style: chr3-142254972-G-T.
Other names: c.3605C>A, p.Ala1202Asp (NM_001354579.2); short protein forms A1202D, A1266D.
Identifiers: ClinVar variation 1734993 (VCV001734993.7), dbSNP rs1260359422, ClinGen allele CA354806674.

ClinVar aggregate classification (germline): Uncertain significance. Review status: criteria provided, multiple submitters, no conflicts (2 of 4 stars). 2 submissions from 2 submitters: Uncertain significance (2). Last evaluated 2022-07-17.

Conditions:
Inborn genetic diseases. Identifiers: MedGen C0950123, MeSH D030342.

Allele frequency attached by ClinVar (database versions not stated): TOPMed below 0.00001; gnomAD exomes 0.00003; gnomAD 0.00001.
gnomAD v4.1: 43 of 1,586,626 alleles (0.0027%); highest among the groups gnomAD compares: Non-Finnish European, 0.0037%; no homozygotes.

Submissions (2):

Labcorp Genetics (formerly Invitae), Labcorp
Classification: Uncertain significance. Last evaluated: 2022-07-17. Review status: criteria provided, single submitter. Criteria: Invitae Variant Classification Sherloc (09022015). Collection method: clinical testing. Allele origin: germline.
Comment: In summary, the available evidence is currently insufficient to determine the role of this variant in disease. Therefore, it has been classified as a Variant of Uncertain Significance. Algorithms developed to predict the effect of missense changes on protein structure and function (SIFT, PolyPhen-2, Align-GVGD) all suggest that this variant is likely to be tolerated. This variant has not been reported in the literature in individuals affected with ATR-related conditions. This variant is present in population databases (no rsID available, gnomAD 0.003%). This sequence change replaces alanine, which is neutral and non-polar, with aspartic acid, which is acidic and polar, at codon 1266 of the ATR protein (p.Ala1266Asp).

Ambry Genetics
Classification: Uncertain significance for Inborn genetic diseases. Last evaluated: 2022-05-01. Review status: criteria provided, single submitter. Criteria: Ambry Variant Classification Scheme 2023. Collection method: clinical testing. Allele origin: germline.
Comment: The p.A1266D variant (also known as c.3797C>A), located in coding exon 20 of the ATR gene, results from a C to A substitution at nucleotide position 3797. The alanine at codon 1266 is replaced by aspartic acid, an amino acid with dissimilar properties. This amino acid position is conserved. In addition, this alteration is predicted to be tolerated by in silico analysis. Since supporting evidence is limited at this time, the clinical significance of this alteration remains unclear.